The following is an entry in ClinVar:

ClinVar aggregate classification (germline): Likely pathogenic (1 of 4 stars; one submission).

Submission:

CeGaT Center for Human Genetics Tuebingen
Classification: Likely pathogenic. Last evaluated: 2024-10-01. Review status: criteria provided, single submitter. Criteria: CeGaT Center For Human Genetics Tuebingen Variant Classification Criteria Version 2. Collection method: clinical testing. Allele origin: germline. Affected: yes. Observed: 1 variant allele.
Comment: ADAMTS13: PM1, PM2, PM5

NM_139027.6(ADAMTS13):c.1192C>G (p.Arg398Gly)

Gene: ADAMTS13 (ADAM metallopeptidase with thrombospondin type 1 motif 13; plus strand). Cytogenetic location: 9q34.2.
Variant type: single nucleotide variant.
Coding change: c.1192C>G on transcript NM_139027.6 (MANE Select); coding-DNA position 1192, C replaced by G.
Protein change: p.Arg398Gly; replaces arginine 398 with glycine.
Molecular consequence: missense variant.
Genome position (GRCh38, 1-based): chr9:133,433,477, C>G. VCF-style: chr9-133433477-C-G. GRCh37 (hg19) VCF-style: chr9-136298597-C-G.
Other names: c.1192C>G, p.Arg398Gly (NM_139025.5); c.1099C>G, p.Arg367Gly (NM_139026.6); short protein forms R367G, R398G.
Identifiers: ClinVar variation 3389518 (VCV003389518.14).